The following is an entry in ClinVar:

NM_006158.5(NEFL):c.1127T>G (p.Leu376Arg)

Genes: NEFL (neurofilament light chain; minus strand), LOC126860330 (BRD4-independent group 4 enhancer GRCh37_chr8:24811677-24812876; plus strand). Cytogenetic location: 8p21.2.
Variant type: single nucleotide variant.
Coding change: c.1127T>G on transcript NM_006158.5 (MANE Select); coding-DNA position 1127, T replaced by G.
Protein change: p.Leu376Arg; replaces leucine 376 with arginine.
Molecular consequence: missense variant.
Genome position (GRCh38, 1-based): chr8:24,954,223, A>C on the plus strand (T>G on the coding strand, the complement: NEFL is on the minus strand). VCF-style: chr8-24954223-A-C. GRCh37 (hg19) VCF-style: chr8-24811737-A-C.
Other names: short protein forms L376R.
Identifiers: ClinVar variation 3672731 (VCV003672731.2).

ClinVar aggregate classification (germline): Uncertain significance (1 of 4 stars; one submission).

Conditions:
Charcot-Marie-Tooth disease type 2E (CMT2E). Also called: CHARCOT-MARIE-TOOTH DISEASE, AXONAL, TYPE 2E; CHARCOT-MARIE-TOOTH NEUROPATHY, TYPE 2E. Identifiers: Orphanet 99939, MedGen C1843225, MONDO:0011894, OMIM 607684.

Submission:

Labcorp Genetics (formerly Invitae), Labcorp
Classification: Uncertain significance for Charcot-Marie-Tooth disease type 2E. Last evaluated: 2024-05-02. Review status: criteria provided, single submitter. Criteria: Invitae Variant Classification Sherloc (09022015). Collection method: clinical testing. Allele origin: germline.
Comment: This sequence change replaces leucine, which is neutral and non-polar, with arginine, which is basic and polar, at codon 376 of the NEFL protein (p.Leu376Arg). This variant is not present in population databases (gnomAD no frequency). This variant has not been reported in the literature in individuals affected with NEFL-related conditions. Advanced modeling of protein sequence and biophysical properties (such as structural, functional, and spatial information, amino acid conservation, physicochemical variation, residue mobility, and thermodynamic stability) performed at Invitae indicates that this missense variant is expected to disrupt NEFL protein function with a positive predictive value of 80%. In summary, the available evidence is currently insufficient to determine the role of this variant in disease. Therefore, it has been classified as a Variant of Uncertain Significance.